The following is an entry in ClinVar:

ClinVar aggregate classification (germline): Uncertain significance. Review status: criteria provided, multiple submitters, no conflicts (2 of 4 stars). 2 submissions from 2 submitters: Uncertain significance (2). Last evaluated 2024-02-23.

Conditions:
Primary ciliary dyskinesia. Also called: Ciliary dyskinesia. Identifiers: Orphanet 244, MedGen C0008780, MONDO:0016575, HP:0012265.

Allele frequency attached by ClinVar (database versions not stated): gnomAD exomes below 0.00001.
gnomAD v4.1: 2 of 1,211,154 alleles (0.00017%); highest among the groups gnomAD compares: Non-Finnish European, 0.00022%; no homozygotes.

Submissions (3):

Labcorp Genetics (formerly Invitae), Labcorp
Classification: Uncertain significance for Primary ciliary dyskinesia. Last evaluated: 2024-02-23. Review status: criteria provided, single submitter. Criteria: Invitae Variant Classification Sherloc (09022015). Collection method: clinical testing. Allele origin: germline.
Comment: This sequence change replaces histidine, which is basic and polar, with glutamine, which is neutral and polar, at codon 562 of the RPGR protein (p.His562Gln). This variant is not present in population databases (gnomAD no frequency). This variant has not been reported in the literature in individuals affected with RPGR-related conditions. ClinVar contains an entry for this variant (Variation ID: 2000805). Advanced modeling of protein sequence and biophysical properties (such as structural, functional, and spatial information, amino acid conservation, physicochemical variation, residue mobility, and thermodynamic stability) performed at Invitae indicates that this missense variant is not expected to disrupt RPGR protein function with a negative predictive value of 95%. In summary, the available evidence is currently insufficient to determine the role of this variant in disease. Therefore, it has been classified as a Variant of Uncertain Significance.

Blueprint Genetics
Classification: Uncertain significance. Last evaluated: 2021-03-16. Review status: criteria provided, single submitter. Criteria: ACMG Guidelines, 2015. Collection method: clinical testing. Allele origin: germline.

Dr. Peter K. Rogan Lab, Western University
No classification provided (evidence only). Condition: Nonpapillary renal cell carcinoma. Review status: no classification provided. Collection method: in vitro. Allele origin: not applicable. Functional consequence: retained intron. Not counted in ClinVar's aggregate classification.

NM_001034853.2(RPGR):c.1686T>G (p.His562Gln)

Gene: RPGR (retinitis pigmentosa GTPase regulator; minus strand). Cytogenetic location: Xp11.4.
Variant type: single nucleotide variant.
Coding change: c.1686T>G on transcript NM_001034853.2 (MANE Select); coding-DNA position 1686, T replaced by G.
Protein change: p.His562Gln; replaces histidine 562 with glutamine.
Molecular consequence: missense variant. On other transcripts: non-coding transcript variant (1), intron variant (5).
Genome position (GRCh38, 1-based): chrX:38,287,928, A>C on the plus strand (T>G on the coding strand, the complement: RPGR is on the minus strand). VCF-style: chrX-38287928-A-C. GRCh37 (hg19) VCF-style: chrX-38147181-A-C.
Other names: c.1686T>G, p.His562Gln (NM_000328.3); c.1683T>G, p.His561Gln (NM_001367245.1); c.1500T>G, p.His500Gln (NM_001367246.1); c.1569+3031T>G (NM_001367249.1, NM_001367250.1); c.1386+3031T>G (NM_001367251.1); c.1572+3031T>G (NM_001367247.1); c.1602+3031T>G (NM_001367248.1); short protein forms H562Q, H500Q, H561Q.
Identifiers: ClinVar variation 2000805 (VCV002000805.6), dbSNP rs2067217599, ClinGen allele CA412737005.